The following is an entry in ClinVar:

NM_004064.5(CDKN1B):c.352T>G (p.Leu118Val)

Gene: CDKN1B (cyclin dependent kinase inhibitor 1B; plus strand). Cytogenetic location: 12p13.1.
Variant type: single nucleotide variant.
Coding change: c.352T>G on transcript NM_004064.5 (MANE Select); coding-DNA position 352, T replaced by G.
Protein change: p.Leu118Val; replaces leucine 118 with valine.
Molecular consequence: missense variant.
Genome position (GRCh38, 1-based): chr12:12,718,191, T>G. VCF-style: chr12-12718191-T-G. GRCh37 (hg19) VCF-style: chr12-12871125-T-G.
Other names: short protein forms L118V.
Identifiers: ClinVar variation 641912 (VCV000641912.15), dbSNP rs1472386495, ClinGen allele CA383970344.

ClinVar aggregate classification (germline): Uncertain significance. Review status: criteria provided, multiple submitters, no conflicts (2 of 4 stars). 3 submissions from 3 submitters: Uncertain significance (3). Last evaluated 2024-05-10.

Conditions:
Multiple endocrine neoplasia type 4. Also called: MULTIPLE ENDOCRINE NEOPLASIA, TYPE IV. Identifiers: Orphanet 276152, MedGen C1970712, MONDO:0012552, OMIM 610755.
Hereditary cancer-predisposing syndrome. Also called: Neoplastic Syndromes, Hereditary; Hereditary Cancer Syndrome; Hereditary neoplastic syndrome; Tumor predisposition. Identifiers: Orphanet 140162, MedGen C0027672, MeSH D009386, MONDO:0015356.

Allele frequency attached by ClinVar (database versions not stated): TOPMed below 0.00001; gnomAD 0.00001.

Submissions (3):

Ambry Genetics
Classification: Uncertain significance for Hereditary cancer-predisposing syndrome. Last evaluated: 2024-05-10. Review status: criteria provided, single submitter. Criteria: Ambry Variant Classification Scheme 2023. Collection method: clinical testing. Allele origin: germline.
Comment: The p.L118V variant (also known as c.352T>G), located in coding exon 1 of the CDKN1B gene, results from a T to G substitution at nucleotide position 352. The leucine at codon 118 is replaced by valine, an amino acid with highly similar properties. This amino acid position is not well conserved in available vertebrate species. In addition, this alteration is predicted to be tolerated by in silico analysis. Since supporting evidence is limited at this time, the clinical significance of this alteration remains unclear.

Baylor Genetics
Classification: Uncertain significance for Multiple endocrine neoplasia type 4. Last evaluated: 2023-05-15. Review status: criteria provided, single submitter. Criteria: ACMG Guidelines, 2015. Collection method: clinical testing. Allele origin: unknown.

Labcorp Genetics (formerly Invitae), Labcorp
Classification: Uncertain significance for Multiple endocrine neoplasia type 4. Last evaluated: 2021-08-18. Review status: criteria provided, single submitter. Criteria: Invitae Variant Classification Sherloc (09022015). Collection method: clinical testing. Allele origin: germline.
Comment: In summary, the available evidence is currently insufficient to determine the role of this variant in disease. Therefore, it has been classified as a Variant of Uncertain Significance. Algorithms developed to predict the effect of missense changes on protein structure and function (SIFT, PolyPhen-2, Align-GVGD) all suggest that this variant is likely to be tolerated, but these predictions have not been confirmed by published functional studies and their clinical significance is uncertain. This variant has not been reported in the literature in individuals with CDKN1B-related conditions. This variant is not present in population databases (ExAC no frequency). This sequence change replaces leucine with valine at codon 118 of the CDKN1B protein (p.Leu118Val). The leucine residue is moderately conserved and there is a small physicochemical difference between leucine and valine.